The following is an entry in ClinVar:

NM_001267550.2(TTN):c.3963+22T>C

Genes: TTN (titin; minus strand), LOC101927055 (uncharacterized LOC101927055; plus strand). Cytogenetic location: 2q31.2.
Variant type: single nucleotide variant.
Coding change: c.3963+22T>C on transcript NM_001267550.2 (MANE Select); 22 bases into the intron after coding-DNA position 3963, T replaced by C.
Molecular consequence: intron variant.
Genome position (GRCh38, 1-based): chr2:178,779,207, A>G on the plus strand (T>C on the coding strand, the complement: TTN is on the minus strand). VCF-style: chr2-178779207-A-G. GRCh37 (hg19) VCF-style: chr2-179643934-A-G.
Other names: c.3825+22T>C (NM_003319.4, NM_133437.4, NM_133432.3); c.3963+22T>C (NM_133378.4, NM_001256850.1, NM_133379.5).
Identifiers: ClinVar variation 1221641 (VCV001221641.9), dbSNP rs2291301, ClinGen allele CA2005439.

ClinVar aggregate classification (germline): Benign. Review status: criteria provided, multiple submitters, no conflicts (2 of 4 stars). 6 submissions from 6 submitters: Benign (4). 2 of the submissions do not count toward it. Last evaluated 2026-09-21.

Allele frequency attached by ClinVar (database versions not stated): gnomAD exomes 0.98147 and 0.96215; 1000 Genomes Project 0.92013; gnomAD 0.94805 and 0.94740; ESP Exome Variant Server 0.95224; 1000 Genomes Project 30x 0.91974; TOPMed 0.94010; ExAC 0.96095.
gnomAD v4.1: 1,577,361 of 1,613,092 alleles (98%); highest among the groups gnomAD compares: Non-Finnish European, 99%; 772,225 homozygotes.

Submissions (6):

Molecular Diagnostic Laboratory for Inherited Cardiovascular Disease, Montreal Heart Institute
Classification: Benign. Last evaluated: 2026-09-21. Review status: criteria provided, single submitter. Criteria: ACMG Guidelines, 2015. Collection method: clinical testing. Allele origin: germline. Affected: no.
Comment: BA1

GeneDx
Classification: Benign. Last evaluated: 2018-06-26. Review status: criteria provided, single submitter. Criteria: GeneDx Variant Classification Process June 2021. Collection method: clinical testing. Allele origin: germline. Affected: yes.

Mayo Clinic Laboratories, Mayo Clinic
Classification: Benign. Last evaluated: 2014-05-07. Review status: criteria provided, single submitter. Criteria: ACMG Guidelines, 2015. Collection method: clinical testing. Allele origin: germline. Observed: 734 variant alleles.

Breakthrough Genomics
Classification: Benign. Review status: criteria provided, single submitter. Criteria: ACMG Guidelines, 2015. Collection method: not provided. Allele origin: germline. Inheritance: Autosomal recessive inheritance. Affected: yes.

Clinical Genetics DNA and cytogenetics Diagnostics Lab, Erasmus MC, Erasmus Medical Center
Classification: Benign. Review status: no assertion criteria provided. Collection method: clinical testing. Allele origin: germline. Affected: yes. Study: VKGL Data-share Consensus. Not counted in ClinVar's aggregate classification.

Joint Genome Diagnostic Labs from Nijmegen and Maastricht, Radboudumc and MUMC+
Classification: Benign. Review status: no assertion criteria provided. Collection method: clinical testing. Allele origin: germline. Affected: yes. Study: VKGL Data-share Consensus. Not counted in ClinVar's aggregate classification.